The following is an entry in ClinVar:

ClinVar aggregate classification (germline): Likely benign (1 of 4 stars; one submission).

Submission:

CeGaT Center for Human Genetics Tuebingen
Classification: Likely benign. Last evaluated: 2026-03-01. Review status: criteria provided, single submitter. Criteria: CeGaT Center For Human Genetics Tuebingen Variant Classification Criteria Version 2. Collection method: clinical testing. Allele origin: germline. Affected: yes. Observed: 1 variant allele.
Comment: OPN1MW2: PM2:Supporting, BP4, BP7; OPN1MW3: PM2:Supporting, BP4, BP7

NM_001048181.3(OPN1MW2):c.300G>A (p.Leu100=)

Genes: OPN1MW2 (opsin 1, medium wave sensitive 2; plus strand), OPN1MW3 (opsin 1, medium wave sensitive 3; plus strand). Cytogenetic location: Xq28.
Variant type: single nucleotide variant.
Coding change: c.300G>A on transcript NM_001048181.3 (MANE Select); coding-DNA position 300, G replaced by A.
Protein change: p.Leu100=; no amino-acid change (leucine 100 retained).
Molecular consequence: synonymous variant.
Genome position (GRCh38, 1-based): chrX:154,225,095, G>A. VCF-style: chrX-154225095-G-A. GRCh37 (hg19) VCF-style: chrX-153490564-G-A.
Identifiers: ClinVar variation 4820999 (VCV004820999.4).